The following is an entry in ClinVar:

NM_005732.4(RAD50):c.3058G>T (p.Asp1020Tyr)

Gene: RAD50 (RAD50 double strand break repair protein; plus strand). Cytogenetic location: 5q31.1.
Variant type: single nucleotide variant.
Coding change: c.3058G>T on transcript NM_005732.4 (MANE Select); coding-DNA position 3058, G replaced by T.
Protein change: p.Asp1020Tyr; replaces aspartic acid 1020 with tyrosine.
Molecular consequence: missense variant.
Genome position (GRCh38, 1-based): chr5:132,616,024, G>T. VCF-style: chr5-132616024-G-T. GRCh37 (hg19) VCF-style: chr5-131951716-G-T.
Other names: c.3058G>T (NM_005732.3); short protein forms D1020Y.
Identifiers: ClinVar variation 2078570 (VCV002078570.5), dbSNP rs2479384282, ClinGen allele CA360963456.

ClinVar aggregate classification (germline): Uncertain significance. Review status: criteria provided, multiple submitters, no conflicts (2 of 4 stars). 2 submissions from 2 submitters: Uncertain significance (2). Last evaluated 2025-06-23.

Conditions:
Hereditary cancer-predisposing syndrome. Also called: Hereditary Cancer Syndrome; Tumor predisposition; Hereditary neoplastic syndrome; Neoplastic Syndromes, Hereditary. Identifiers: Orphanet 140162, MedGen C0027672, MeSH D009386, MONDO:0015356.

Allele frequency attached by ClinVar (database versions not stated): gnomAD exomes below 0.00001.
gnomAD v4.1: 1 of 1,591,156 alleles (0.000063%); highest among the groups gnomAD compares: South Asian, 0.0011%; no homozygotes.

Submissions (2):

Ambry Genetics
Classification: Uncertain significance for Hereditary cancer-predisposing syndrome. Last evaluated: 2025-06-23. Review status: criteria provided, single submitter. Criteria: Ambry Variant Classification Scheme 2023. Collection method: clinical testing. Allele origin: germline.
Comment: The p.D1020Y variant (also known as c.3058G>T), located in coding exon 20 of the RAD50 gene, results from a G to T substitution at nucleotide position 3058. The aspartic acid at codon 1020 is replaced by tyrosine, an amino acid with highly dissimilar properties. This amino acid position is conserved. In addition, the in silico prediction for this alteration is inconclusive. Based on the available evidence, the clinical significance of this variant remains unclear.

Labcorp Genetics (formerly Invitae), Labcorp
Classification: Uncertain significance for Hereditary cancer-predisposing syndrome. Last evaluated: 2022-01-11. Review status: criteria provided, single submitter. Criteria: Invitae Variant Classification Sherloc (09022015). Collection method: clinical testing. Allele origin: germline.
Comment: In summary, the available evidence is currently insufficient to determine the role of this variant in disease. Therefore, it has been classified as a Variant of Uncertain Significance. Algorithms developed to predict the effect of missense changes on protein structure and function are either unavailable or do not agree on the potential impact of this missense change (SIFT: "Deleterious"; PolyPhen-2: "Probably Damaging"; Align-GVGD: "Class C0"). This variant has not been reported in the literature in individuals affected with RAD50-related conditions. This variant is not present in population databases (gnomAD no frequency). This sequence change replaces aspartic acid, which is acidic and polar, with tyrosine, which is neutral and polar, at codon 1020 of the RAD50 protein (p.Asp1020Tyr).